The following is an entry in ClinVar:

NM_001378454.1(ALMS1):c.7167G>T (p.Arg2389Ser)

Gene: ALMS1 (ALMS1 centrosome and basal body associated protein; plus strand). Cytogenetic location: 2p13.1.
Variant type: single nucleotide variant.
Coding change: c.7167G>T on transcript NM_001378454.1 (MANE Select); coding-DNA position 7167, G replaced by T.
Protein change: p.Arg2389Ser; replaces arginine 2389 with serine.
Molecular consequence: missense variant.
Genome position (GRCh38, 1-based): chr2:73,453,694, G>T. VCF-style: chr2-73453694-G-T. GRCh37 (hg19) VCF-style: chr2-73680821-G-T.
Other names: c.7170G>T, p.Arg2390Ser (NM_015120.4); short protein forms R2390S, R2389S.
Identifiers: ClinVar variation 459882 (VCV000459882.8), dbSNP rs1553404408, ClinGen allele CA347291393.
Genomic context (GRCh38, chr2:73,453,694, plus strand): 5'-AGTCAGTATGGCATTAGAAGAAACTCTTAGGCAATATCAAGCAGCCAAATCTGTAATGAG[G>T]TCTGAACCTGAAGGGTGTAGTGGAACCATTGGGAATAAAATTATTATCCCTATGATGACT-3'
Protein context (NP_001365383.1, residues 2379-2399): RQYQAAKSVM[Arg2389Ser]SEPEGCSGTI

ClinVar aggregate classification (germline): Uncertain significance. Review status: criteria provided, multiple submitters, no conflicts (2 of 4 stars). 2 submissions from 2 submitters: Uncertain significance (2). Last evaluated 2024-10-22.

Conditions:
Cardiovascular phenotype. Identifiers: MedGen CN230736.
Alstrom syndrome (ALMS). Identifiers: Orphanet 64, MedGen C0268425, MONDO:0008763, OMIM 203800.

gnomAD v4.1: 2 of 1,614,096 alleles (0.00012%); highest among the groups gnomAD compares: Non-Finnish European, 0.00017%; no homozygotes.

Submissions (2):

Labcorp Genetics (formerly Invitae), Labcorp
Classification: Uncertain significance for Alstrom syndrome. Last evaluated: 2024-10-22. Review status: criteria provided, single submitter. Criteria: Invitae Variant Classification Sherloc (09022015). Collection method: clinical testing. Allele origin: germline.
Comment: This sequence change replaces arginine, which is basic and polar, with serine, which is neutral and polar, at codon 2390 of the ALMS1 protein (p.Arg2390Ser). This variant is not present in population databases (gnomAD no frequency). This variant has not been reported in the literature in individuals affected with ALMS1-related conditions. ClinVar contains an entry for this variant (Variation ID: 459882). Experimental studies and prediction algorithms are not available or were not evaluated, and the functional significance of this variant is currently unknown. In summary, the available evidence is currently insufficient to determine the role of this variant in disease. Therefore, it has been classified as a Variant of Uncertain Significance.

Ambry Genetics
Classification: Uncertain significance for Cardiovascular phenotype. Last evaluated: 2023-03-03. Review status: criteria provided, single submitter. Criteria: Ambry Variant Classification Scheme 2023. Collection method: clinical testing. Allele origin: germline.
Comment: The p.R2390S variant (also known as c.7170G>T), located in coding exon 8 of the ALMS1 gene, results from a G to T substitution at nucleotide position 7170. The arginine at codon 2390 is replaced by serine, an amino acid with dissimilar properties. This amino acid position is highly conserved in available vertebrate species. In addition, the in silico prediction for this alteration is inconclusive. Since supporting evidence is limited at this time, the clinical significance of this alteration remains unclear.